The following is an entry in ClinVar:

ClinVar aggregate classification (germline): Pathogenic (1 of 4 stars; one submission).

Submission:

Labcorp Genetics (formerly Invitae), Labcorp
Classification: Pathogenic. Last evaluated: 2024-02-05. Review status: criteria provided, single submitter. Criteria: Invitae Variant Classification Sherloc (09022015). Collection method: clinical testing. Allele origin: germline.
Comment: This sequence change creates a premature translational stop signal (p.Tyr55Leufs*53) in the DTNBP1 gene. It is expected to result in an absent or disrupted protein product. Loss-of-function variants in DTNBP1 are known to be pathogenic (PMID: 12923531, 23364359). This variant is not present in population databases (gnomAD no frequency). This variant has not been reported in the literature in individuals affected with DTNBP1-related conditions. ClinVar contains an entry for this variant (Variation ID: 1421143). For these reasons, this variant has been classified as Pathogenic.

Literature cited by the submitters: PubMed 12923531; PubMed 23364359.

NM_032122.5(DTNBP1):c.164del (p.Tyr55fs)

Gene: DTNBP1 (dystrobrevin binding protein 1; minus strand). Cytogenetic location: 6p22.3.
Variant type: Deletion.
Coding change: c.164del on transcript NM_032122.5 (MANE Select); coding-DNA position 164, one base deleted (A; older notation c.164delA).
Protein change: p.Tyr55fs; shifts the reading frame from tyrosine 55.
Molecular consequence: frameshift variant. On other transcripts: 5 prime UTR variant (1), non-coding transcript variant (1).
Genome position (GRCh38, 1-based): chr6:15,637,802, T deleted on the plus strand (A on the coding strand, the reverse complement: DTNBP1 is on the minus strand). VCF-style (leftmost placement, unchanged base first): chr6-15637801-AT-A. GRCh37 (hg19) VCF-style: chr6-15638032-AT-A.
Other names: c.-80del (NM_001271667.2); c.113del, p.Tyr38fs (NM_001271668.2); c.59del, p.Tyr20fs (NM_001271669.2); c.164del, p.Tyr55fs (NM_183040.2); short protein forms Y38fs, Y20fs, Y55fs.
Identifiers: ClinVar variation 1421143 (VCV001421143.6), dbSNP rs2113769198, ClinGen allele CA2573140130.